The following is an entry in ClinVar:

ClinVar aggregate classification (germline): Pathogenic. Review status: criteria provided, multiple submitters, no conflicts (2 of 4 stars). 2 submissions from 2 submitters: Pathogenic (2). Last evaluated 2023-11-11.

Conditions:
Inborn genetic diseases. Identifiers: MedGen C0950123, MeSH D030342.
Hyper-IgM syndrome type 1. Also called: CD40 Ligand Deficiency; X-linked hyper-IgM syndrome; Immunodeficiency, X-linked, with hyper-IgM; Hyper-IgM Immunodeficiency Syndrome, Type 1. Identifiers: Orphanet 101088, MedGen C0398689, MONDO:0010626, OMIM 308230.

Submissions (2):

Labcorp Genetics (formerly Invitae), Labcorp
Classification: Pathogenic for Hyper-IgM syndrome type 1. Last evaluated: 2023-11-11. Review status: criteria provided, single submitter. Criteria: Invitae Variant Classification Sherloc (09022015). Collection method: clinical testing. Allele origin: germline.
Comment: This sequence change creates a premature translational stop signal (p.Ala187Leufs*4) in the CD40LG gene. While this is not anticipated to result in nonsense mediated decay, it is expected to disrupt the last 75 amino acid(s) of the CD40LG protein. This variant is not present in population databases (gnomAD no frequency). This premature translational stop signal has been observed in individual(s) with clinical features of X-linked hyper-IgM syndrome (PMID: 15358621, 35753512). This variant is also known as 580DelG . ClinVar contains an entry for this variant (Variation ID: 521393). This variant disrupts a region of the CD40LG protein in which other variant(s) (p.Gly257Asp) have been determined to be pathogenic (PMID: 10366125; Invitae). This suggests that this is a clinically significant region of the protein, and that variants that disrupt it are likely to be disease-causing. For these reasons, this variant has been classified as Pathogenic.

Ambry Genetics
Classification: Pathogenic for Inborn genetic diseases. Last evaluated: 2017-05-22. Review status: criteria provided, single submitter. Criteria: Ambry exome assertion method (8-5-2015). Collection method: clinical testing. Allele origin: germline. Affected: yes. Observed: 1 variant allele.

Literature cited by the submitters: PubMed 15358621 (cited by Labcorp Genetics (formerly Invitae), Labcorp and Ambry Genetics); PubMed 35753512 (cited by Labcorp Genetics (formerly Invitae), Labcorp); PubMed 10366125 (cited by Labcorp Genetics (formerly Invitae), Labcorp); PubMed 8094231 (cited by Ambry Genetics).

NM_000074.3(CD40LG):c.559del (p.Ala187fs)

Gene: CD40LG (CD40 ligand; plus strand). Cytogenetic location: Xq26.3.
Variant type: Deletion.
Coding change: c.559del on transcript NM_000074.3 (MANE Select); coding-DNA position 559, one base deleted (G; older notation c.559delG).
Protein change: p.Ala187fs; shifts the reading frame from alanine 187.
Molecular consequence: frameshift variant.
Genome position (GRCh38, 1-based): chrX:136,659,188, G deleted. VCF-style (leftmost placement, unchanged base first): chrX-136659187-AG-A. GRCh37 (hg19) VCF-style: chrX-135741346-AG-A.
Other names: c.559delG (NM_000074.2); short protein forms A187fs.
Identifiers: ClinVar variation 521393 (VCV000521393.7), dbSNP rs1556143529, ClinGen allele CA658799877.